The following is an entry in ClinVar:

NM_004656.4(BAP1):c.1957del (p.Glu653fs)

Gene: BAP1 (BRCA1 associated deubiquitinase 1; minus strand). Cytogenetic location: 3p21.1.
Variant type: Deletion.
Coding change: c.1957del on transcript NM_004656.4 (MANE Select); coding-DNA position 1957, one base deleted (G; older notation c.1957delG).
Protein change: p.Glu653fs; shifts the reading frame from glutamic acid 653.
Molecular consequence: frameshift variant.
Genome position (GRCh38, 1-based): chr3:52,402,805, C deleted on the plus strand (G on the coding strand, the reverse complement: BAP1 is on the minus strand); the first of 2 consecutive C bases (chr3:52,402,805-52,402,806); deleting either gives the same sequence. VCF-style (leftmost placement, unchanged base first): chr3-52402804-TC-T. GRCh37 (hg19) VCF-style: chr3-52436820-TC-T.
Other names: c.1903del, p.Glu635fs (NM_001410772.1); short protein forms E653fs, E635fs.
Identifiers: ClinVar variation 3659510 (VCV003659510.2).

ClinVar aggregate classification (germline): Pathogenic (1 of 4 stars; one submission).

Conditions:
BAP1-related tumor predisposition syndrome (TPDS1). Also called: Tumor susceptibility linked to germline BAP1 mutations; COMMON Syndrome; TUMOR PREDISPOSITION SYNDROME 1; BAP1 tumor predisposition syndrome. Identifiers: Orphanet 289539, MedGen C3280492, MONDO:0013692, OMIM 614327.

Submission:

Labcorp Genetics (formerly Invitae), Labcorp
Classification: Pathogenic for BAP1-related tumor predisposition syndrome. Last evaluated: 2024-07-15. Review status: criteria provided, single submitter. Criteria: Invitae Variant Classification Sherloc (09022015). Collection method: clinical testing. Allele origin: germline.
Comment: This sequence change creates a premature translational stop signal (p.Glu653Argfs*2) in the BAP1 gene. It is expected to result in an absent or disrupted protein product. Loss-of-function variants in BAP1 are known to be pathogenic (PMID: 21874000, 23684012). This variant is not present in population databases (gnomAD no frequency). This variant has not been reported in the literature in individuals affected with BAP1-related conditions. RNA analysis performed to evaluate the impact of this premature translational stop signal on mRNA splicing indicates it does not significantly alter splicing (Invitae). For these reasons, this variant has been classified as Pathogenic.

Literature cited by the submitters: PubMed 21874000; PubMed 23684012.